The following is an entry in ClinVar:

ClinVar aggregate classification (germline): Pathogenic (1 of 4 stars; one submission).

Submission:

Labcorp Genetics (formerly Invitae), Labcorp
Classification: Pathogenic. Last evaluated: 2025-09-14. Review status: criteria provided, single submitter. Criteria: Invitae Variant Classification Sherloc (09022015). Collection method: clinical testing. Allele origin: germline.
Comment: This sequence change creates a premature translational stop signal (p.Asn402Lysfs*2) in the IFT81 gene. It is expected to result in an absent or disrupted protein product. Loss-of-function variants in IFT81 are known to be pathogenic (PMID: 26275418, 27666822). This variant is not present in population databases (gnomAD no frequency). This variant has not been reported in the literature in individuals affected with IFT81-related conditions. For these reasons, this variant has been classified as Pathogenic.

Literature cited by the submitters: PubMed 26275418; PubMed 27666822.

NM_014055.4(IFT81):c.1205dup (p.Asn402fs)

Gene: IFT81 (intraflagellar transport 81; plus strand). Cytogenetic location: 12q24.11.
Variant type: Duplication.
Coding change: c.1205dup on transcript NM_014055.4 (MANE Select); coding-DNA position 1205, one base duplicated (A; older notation c.1205dupA).
Protein change: p.Asn402fs; shifts the reading frame from asparagine 402.
Molecular consequence: frameshift variant. On other transcripts: non-coding transcript variant (4).
Genome position (GRCh38, 1-based): chr12:110,180,438, A duplicated; the last of 2 consecutive A bases (chr12:110,180,437-110,180,438); duplicating either gives the same sequence. VCF-style (leftmost placement, unchanged base first): chr12-110180436-C-CA. GRCh37 (hg19) VCF-style: chr12-110618241-C-CA.
Other names: c.1205dup, p.Asn402fs (NM_001143779.2); c.275dup, p.Asn92fs (NM_001347947.2, NM_001347948.2); short protein forms N92fs, N402fs.
Identifiers: ClinVar variation 4766347 (VCV004766347.1).